The following is an entry in ClinVar:

ClinVar aggregate classification (germline): Uncertain significance (1 of 4 stars; one submission).

Allele frequency attached by ClinVar (database versions not stated): gnomAD exomes 0.00005 and 0.00009; ExAC 0.00008; ESP Exome Variant Server 0.00008; gnomAD 0.00044 and 0.00047; 1000 Genomes Project 30x 0.00047; 1000 Genomes Project 0.00060; TOPMed 0.00129.
gnomAD v4.1: 163 of 1,614,084 alleles (0.01%); highest among the groups gnomAD compares: Admixed American, 0.14%; 3 homozygotes.

Submission:

Labcorp Genetics (formerly Invitae), Labcorp
Classification: Uncertain significance. Last evaluated: 2022-10-25. Review status: criteria provided, single submitter. Criteria: Invitae Variant Classification Sherloc (09022015). Collection method: clinical testing. Allele origin: germline.
Comment: This sequence change replaces arginine, which is basic and polar, with glutamine, which is neutral and polar, at codon 650 of the FCHO1 protein (p.Arg650Gln). This variant is present in population databases (rs150758103, gnomAD 0.04%). This variant has not been reported in the literature in individuals affected with FCHO1-related conditions. ClinVar contains an entry for this variant (Variation ID: 1001028). Algorithms developed to predict the effect of missense changes on protein structure and function are either unavailable or do not agree on the potential impact of this missense change (SIFT: "Deleterious"; PolyPhen-2: "Possibly Damaging"; Align-GVGD: "Class C0"). In summary, the available evidence is currently insufficient to determine the role of this variant in disease. Therefore, it has been classified as a Variant of Uncertain Significance.

NM_015122.3(FCHO1):c.1949G>A (p.Arg650Gln)

Gene: FCHO1 (FCH and mu domain containing endocytic adaptor 1; plus strand). Cytogenetic location: 19p13.11.
Variant type: single nucleotide variant.
Coding change: c.1949G>A on transcript NM_015122.3 (MANE Select); coding-DNA position 1949, G replaced by A.
Protein change: p.Arg650Gln; replaces arginine 650 with glutamine.
Molecular consequence: missense variant. On other transcripts: non-coding transcript variant (36).
Genome position (GRCh38, 1-based): chr19:17,783,028, G>A. VCF-style: chr19-17783028-G-A. GRCh37 (hg19) VCF-style: chr19-17893837-G-A.
Other names: c.1949G>A, p.Arg650Gln (NM_001161357.2, NM_001161358.2, NM_001384370.1 and 13 more transcripts); c.1799G>A, p.Arg600Gln (NM_001161359.2, NM_001384384.1, NM_001384385.1 and 1 more transcripts); c.1910G>A, p.Arg637Gln (NM_001384388.1, NM_001384389.1, NM_001384405.1); c.1874G>A, p.Arg625Gln (NM_001384390.1); c.1832G>A, p.Arg611Gln (NM_001384392.1, NM_001384393.1, NM_001384394.1 and 1 more transcripts); c.1673G>A, p.Arg558Gln (NM_001384396.1, NM_001384397.1, NM_001384398.1 and 5 more transcripts); c.1628G>A, p.Arg543Gln (NM_001384403.1); c.1523G>A, p.Arg508Gln (NM_001384406.1); and 1 more; short protein forms R460Q, R508Q, R543Q, R558Q, R600Q, R611Q, R625Q, R637Q.
Identifiers: ClinVar variation 1001028 (VCV001001028.4), dbSNP rs150758103, ClinGen allele CA9300706.